The following is an entry in ClinVar:

ClinVar aggregate classification (germline): Uncertain significance (1 of 4 stars; one submission).

Conditions:
MYH9-related disorder. Identifiers: MedGen C1854520.

Submission:

PreventionGenetics, part of Exact Sciences
Classification: Uncertain significance for MYH9-related condition. Last evaluated: 2022-09-09. Review status: criteria provided, single submitter. Criteria: ACMG Guidelines, 2015. Collection method: clinical testing. Allele origin: germline.
Comment: The MYH9 c.1873G>T variant is predicted to result in the amino acid substitution p.Ala625Ser. To our knowledge, this variant has not been reported in the literature or in a large population database, indicating this variant is rare. At this time, the clinical significance of this variant is uncertain due to the absence of conclusive functional and genetic evidence.

NM_002473.6(MYH9):c.1873G>T (p.Ala625Ser)

Gene: MYH9 (myosin heavy chain 9; minus strand). Cytogenetic location: 22q12.3.
Variant type: single nucleotide variant.
Coding change: c.1873G>T on transcript NM_002473.6 (MANE Select); coding-DNA position 1873, G replaced by T.
Protein change: p.Ala625Ser; replaces alanine 625 with serine.
Molecular consequence: missense variant.
Genome position (GRCh38, 1-based): chr22:36,306,578, C>A on the plus strand (G>T on the coding strand, the complement: MYH9 is on the minus strand). VCF-style: chr22-36306578-C-A. GRCh37 (hg19) VCF-style: chr22-36702624-C-A.
Other names: short protein forms A625S.
Identifiers: ClinVar variation 2637274 (VCV002637274.1), dbSNP rs2517977943, ClinGen allele CA411398021.
Genomic context (GRCh38, chr22:36,306,578, plus strand): 5'-TGCGGAACATGCCCTTCCGCGTCTTGAAGGCCCCGGGCAGTGCGGTCTCCGACATGCCGG[C>A]CACCTGGTCCAGGCCGATGATGCGGTCCACTGTGGAGACCACAGAGAACACGTGAGTGCC-3'
Protein context (NP_002464.1, residues 615-635): VDRIIGLDQV[Ala625Ser]GMSETALPGA